The following is an entry in ClinVar:

ClinVar aggregate classification (germline): Uncertain significance. Review status: criteria provided, multiple submitters, no conflicts (2 of 4 stars). 2 submissions from 2 submitters: Uncertain significance (2). Last evaluated 2022-09-05.

Submissions (2):

Labcorp Genetics (formerly Invitae), Labcorp
Classification: Uncertain significance. Last evaluated: 2022-09-05. Review status: criteria provided, single submitter. Criteria: Invitae Variant Classification Sherloc (09022015). Collection method: clinical testing. Allele origin: germline.
Comment: This sequence change replaces alanine, which is neutral and non-polar, with valine, which is neutral and non-polar, at codon 380 of the SETBP1 protein (p.Ala380Val). This variant is not present in population databases (gnomAD no frequency). This variant has not been reported in the literature in individuals affected with SETBP1-related conditions. ClinVar contains an entry for this variant (Variation ID: 1331327). Algorithms developed to predict the effect of missense changes on protein structure and function output the following: SIFT: "Deleterious"; PolyPhen-2: "Benign"; Align-GVGD: "Class C0". The valine amino acid residue is found in multiple mammalian species, which suggests that this missense change does not adversely affect protein function. In summary, the available evidence is currently insufficient to determine the role of this variant in disease. Therefore, it has been classified as a Variant of Uncertain Significance.

GeneDx
Classification: Uncertain significance. Last evaluated: 2021-07-02. Review status: criteria provided, single submitter. Criteria: GeneDx Variant Classification Process June 2021. Collection method: clinical testing. Allele origin: germline. Affected: yes.
Comment: Has not been previously published as pathogenic or benign to our knowledge; Not observed at significant frequency in large population cohorts (Lek et al., 2016); In silico analysis, which includes splice predictors and evolutionary conservation, suggests this variant may impact gene splicing. In the absence of RNA/functional studies, the actual effect of this sequence change is unknown.; In silico analysis supports that this missense variant does not alter protein structure/function; This variant is associated with the following publications: (PMID: 27535533)

NM_015559.3(SETBP1):c.1139C>T (p.Ala380Val)

Gene: SETBP1 (SET binding protein 1; plus strand). Cytogenetic location: 18q12.3.
Variant type: single nucleotide variant.
Coding change: c.1139C>T on transcript NM_015559.3 (MANE Select); coding-DNA position 1139, C replaced by T.
Protein change: p.Ala380Val; replaces alanine 380 with valine.
Molecular consequence: missense variant.
Genome position (GRCh38, 1-based): chr18:44,950,479, C>T. VCF-style: chr18-44950479-C-T. GRCh37 (hg19) VCF-style: chr18-42530444-C-T.
Other names: c.1139C>T, p.Ala380Val (NM_001379141.1, NM_001379142.1); short protein forms A380V.
Identifiers: ClinVar variation 1331327 (VCV001331327.6), dbSNP rs2145095927, ClinGen allele CA402317887.